The following is an entry in ClinVar:

NM_001199799.2(ILDR1):c.946A>T (p.Met316Leu)

Gene: ILDR1 (immunoglobulin like domain containing receptor 1; minus strand). Cytogenetic location: 3q13.33.
Variant type: single nucleotide variant.
Coding change: c.946A>T on transcript NM_001199799.2 (MANE Select); coding-DNA position 946, A replaced by T.
Protein change: p.Met316Leu; replaces methionine 316 with leucine.
Molecular consequence: missense variant.
Genome position (GRCh38, 1-based): chr3:121,993,803, T>A on the plus strand (A>T on the coding strand, the complement: ILDR1 is on the minus strand). VCF-style: chr3-121993803-T-A. GRCh37 (hg19) VCF-style: chr3-121712650-T-A.
Other names: c.679A>T, p.Met227Leu (NM_001199800.2); c.814A>T, p.Met272Leu (NM_175924.4); short protein forms M227L, M272L, M316L.
Identifiers: ClinVar variation 2498006 (VCV002498006.1), dbSNP rs759699080, ClinGen allele CA2568782.
Genomic context (GRCh38, chr3:121,993,803, plus strand): 5'-TCAGTGGGGGCAGGTGGATGATTCTGCGTTCCACGACCTCAGAGCCCAGGGAGGACAGCA[T>A]GCTGCAGGGATGGCCAAATCTGCCTTTGAGGTCAGGGGGCAGAGGCTGGGCCAGGTTGAG-3'
Protein context (NP_001186728.1, residues 306-326): LKGRFGHPCS[Met316Leu]LSSLGSEVVE

ClinVar aggregate classification (germline): Uncertain significance (1 of 4 stars; one submission).

Allele frequency attached by ClinVar (database versions not stated): ExAC 0.00001; gnomAD 0.00001; gnomAD exomes 0.00001; TOPMed 0.00002.
gnomAD v4.1: 13 of 1,613,978 alleles (0.00081%); highest among the groups gnomAD compares: Admixed American, 0.0067%; no homozygotes.

Submission:

GeneDx
Classification: Uncertain significance. Last evaluated: 2022-10-04. Review status: criteria provided, single submitter. Criteria: GeneDx Variant Classification Process June 2021. Collection method: clinical testing. Allele origin: germline. Affected: yes.
Comment: In silico analysis supports that this missense variant does not alter protein structure/function; Has not been previously published as pathogenic or benign to our knowledge